The following is an entry in ClinVar:

ClinVar aggregate classification (germline): Likely benign (1 of 4 stars; one submission).

Allele frequency attached by ClinVar (database versions not stated): ESP Exome Variant Server 0.00023; 1000 Genomes Project 30x 0.00031; gnomAD exomes 0.00035; gnomAD 0.00038; 1000 Genomes Project 0.00040; TOPMed 0.00040; ExAC 0.00068.
gnomAD v4.1: 611 of 1,613,058 alleles (0.038%); highest among the groups gnomAD compares: South Asian, 0.12%; 1 homozygote.

Submission:

CeGaT Center for Human Genetics Tuebingen
Classification: Likely benign. Last evaluated: 2022-10-01. Review status: criteria provided, single submitter. Criteria: CeGaT Center For Human Genetics Tuebingen Variant Classification Criteria Version 2. Collection method: clinical testing. Allele origin: germline. Affected: yes. Observed: 1 variant allele.
Comment: CALCOCO1: BP4, BP7

NM_020898.3(CALCOCO1):c.459C>T (p.Leu153=)

Gene: CALCOCO1 (calcium binding and coiled-coil domain 1; minus strand). Cytogenetic location: 12q13.13.
Variant type: single nucleotide variant.
Coding change: c.459C>T on transcript NM_020898.3 (MANE Select); coding-DNA position 459, C replaced by T.
Protein change: p.Leu153=; no amino-acid change (leucine 153 retained).
Molecular consequence: synonymous variant. On other transcripts: non-coding transcript variant (1).
Genome position (GRCh38, 1-based): chr12:53,722,175, G>A on the plus strand (C>T on the coding strand, the complement: CALCOCO1 is on the minus strand). VCF-style: chr12-53722175-G-A. GRCh37 (hg19) VCF-style: chr12-54115959-G-A.
Other names: c.360C>T, p.Leu120= (NM_001143682.2).
Identifiers: ClinVar variation 2643048 (VCV002643048.24), dbSNP rs144391784, ClinGen allele CA6603565.